The following is an entry in ClinVar:

NM_001283009.2(RTEL1):c.463A>G (p.Ser155Gly)

Genes: RTEL1 (regulator of telomere elongation helicase 1; plus strand), RTEL1-TNFRSF6B (RTEL1-TNFRSF6B readthrough (NMD candidate); plus strand). Cytogenetic location: 20q13.33.
Variant type: single nucleotide variant.
Coding change: c.463A>G on transcript NM_001283009.2 (MANE Select); coding-DNA position 463, A replaced by G.
Protein change: p.Ser155Gly; replaces serine 155 with glycine.
Molecular consequence: missense variant. On other transcripts: non-coding transcript variant (1), 5 prime UTR variant (1).
Genome position (GRCh38, 1-based): chr20:63,662,613, A>G. VCF-style: chr20-63662613-A-G. GRCh37 (hg19) VCF-style: chr20-62293966-A-G.
Other names: c.-207A>G (NM_001283010.1); c.463A>G, p.Ser155Gly (NM_016434.4); c.535A>G, p.Ser179Gly (NM_032957.5); short protein forms S179G, S155G.
Identifiers: ClinVar variation 2160490 (VCV002160490.6), dbSNP rs762388949, ClinGen allele CA317489399.

ClinVar aggregate classification (germline): Uncertain significance. Review status: criteria provided, multiple submitters, no conflicts (2 of 4 stars). 2 submissions from 2 submitters: Uncertain significance (2). Last evaluated 2025-08-01.

Conditions:
Pulmonary fibrosis and/or bone marrow failure, Telomere-related, 3. Also called: PULMONARY FIBROSIS AND/OR BONE MARROW FAILURE SYNDROME, TELOMERE-RELATED, 3. Identifiers: Orphanet 2032, MedGen C4225346, MONDO:0014613, OMIM 616373.
Dyskeratosis congenita, autosomal recessive 5 (DKCB5). Identifiers: MedGen C3554656, MONDO:0014076, OMIM 615190.

Allele frequency attached by ClinVar (database versions not stated): TOPMed 0.00002; gnomAD 0.00002.
gnomAD v4.1: 34 of 1,613,962 alleles (0.0021%); highest among the groups gnomAD compares: Middle Eastern, 0.033%; no homozygotes.

Submissions (2):

Labcorp Genetics (formerly Invitae), Labcorp
Classification: Uncertain significance for Dyskeratosis congenita, autosomal recessive 5; Pulmonary fibrosis and/or bone marrow failure, Telomere-related, 3. Last evaluated: 2025-08-01. Review status: criteria provided, single submitter. Criteria: Invitae Variant Classification Sherloc (09022015). Collection method: clinical testing. Allele origin: germline.
Comment: This sequence change replaces serine, which is neutral and polar, with glycine, which is neutral and non-polar, at codon 155 of the RTEL1 protein (p.Ser155Gly). This variant is present in population databases (rs762388949, gnomAD 0.0009%). This variant has not been reported in the literature in individuals affected with RTEL1-related conditions. ClinVar contains an entry for this variant (Variation ID: 2160490). An algorithm developed to predict the effect of missense changes on protein structure and function (PolyPhen-2) suggests that this variant is likely to be tolerated. In summary, the available evidence is currently insufficient to determine the role of this variant in disease. Therefore, it has been classified as a Variant of Uncertain Significance.

Revvity Omics, Revvity
Classification: Uncertain significance. Last evaluated: 2019-10-29. Review status: criteria provided, single submitter. Criteria: ACMG Guidelines, 2015. Collection method: clinical testing. Allele origin: germline.